The following is an entry in ClinVar:

ClinVar aggregate classification (germline): Uncertain significance (1 of 4 stars; one submission).

Conditions:
Blau syndrome (BLAUS). Also called: GRANULOMATOSIS, FAMILIAL JUVENILE SYSTEMIC; GRANULOMATOSIS, FAMILIAL, BLAU TYPE; GRANULOMATOUS INFLAMMATORY ARTHRITIS, DERMATITIS, AND UVEITIS, FAMILIAL; JABS SYNDROME; ARTHROCUTANEOUVEAL GRANULOMATOSIS. Identifiers: Orphanet 90340, MedGen C5201146, MONDO:0008523, OMIM 186580.
Regional enteritis. Also called: Enteritis, Granulomatous. Identifiers: MedGen C0678202, MeSH D003424.

Allele frequency attached by ClinVar (database versions not stated): gnomAD exomes 0.00001.
gnomAD v4.1: 4 of 1,608,642 alleles (0.00025%); highest among the groups gnomAD compares: Non-Finnish European, 0.00034%; no homozygotes.

Submission:

Labcorp Genetics (formerly Invitae), Labcorp
Classification: Uncertain significance for Regional enteritis; Blau syndrome. Last evaluated: 2026-01-24. Review status: criteria provided, single submitter. Criteria: Invitae Variant Classification Sherloc (09022015). Collection method: clinical testing. Allele origin: germline.
Comment: This sequence change replaces alanine, which is neutral and non-polar, with threonine, which is neutral and polar, at codon 666 of the NOD2 protein (p.Ala666Thr). This variant is not present in population databases (gnomAD no frequency). This variant has not been reported in the literature in individuals affected with NOD2-related conditions. ClinVar contains an entry for this variant (Variation ID: 2926228). Invitae Evidence Modeling of protein sequence and biophysical properties (such as structural, functional, and spatial information, amino acid conservation, physicochemical variation, residue mobility, and thermodynamic stability) indicates that this missense variant is not expected to disrupt NOD2 protein function with a negative predictive value of 95%. In summary, the available evidence is currently insufficient to determine the role of this variant in disease. Therefore, it has been classified as a Variant of Uncertain Significance.

NM_001370466.1(NOD2):c.1915G>A (p.Ala639Thr)

Gene: NOD2 (nucleotide binding oligomerization domain containing 2; plus strand). Cytogenetic location: 16q12.1.
Variant type: single nucleotide variant.
Coding change: c.1915G>A on transcript NM_001370466.1 (MANE Select); coding-DNA position 1915, G replaced by A.
Protein change: p.Ala639Thr; replaces alanine 639 with threonine.
Molecular consequence: missense variant. On other transcripts: non-coding transcript variant (1).
Genome position (GRCh38, 1-based): chr16:50,711,907, G>A. VCF-style: chr16-50711907-G-A. GRCh37 (hg19) VCF-style: chr16-50745818-G-A.
Other names: c.1915G>A, p.Ala639Thr (NM_001293557.2); c.1996G>A, p.Ala666Thr (NM_022162.3); short protein forms A639T, A666T.
Identifiers: ClinVar variation 2926228 (VCV002926228.3), dbSNP rs2506426708, ClinGen allele CA395870482.